The following is an entry in ClinVar:

NM_000138.5(FBN1):c.8078G>C (p.Gly2693Ala)

Gene: FBN1 (fibrillin 1; minus strand). Cytogenetic location: 15q21.1.
Variant type: single nucleotide variant.
Coding change: c.8078G>C on transcript NM_000138.5 (MANE Select); coding-DNA position 8078, G replaced by C.
Protein change: p.Gly2693Ala; replaces glycine 2693 with alanine.
Molecular consequence: missense variant.
Genome position (GRCh38, 1-based): chr15:48,412,717, C>G on the plus strand (G>C on the coding strand, the complement: FBN1 is on the minus strand). VCF-style: chr15-48412717-C-G. GRCh37 (hg19) VCF-style: chr15-48704914-C-G.
Other names: short protein forms G2693A.
Identifiers: ClinVar variation 1307458 (VCV001307458.3), dbSNP rs1555393664, ClinGen allele CA392321570.
Genomic context (GRCh38, chr15:48,412,717, plus strand): 5'-TCTGGGGAGAGTGAATTGTCATCCATTTCACCACTGACAGGTGGCTCTGGGTTTCCTCGG[C>G]CCATGCCCATTCCAGAAACACAGTGCCTGCAGCAGAAGGGGAGCATAGATGTTTTTCATT-3'
Protein context (NP_000129.3, residues 2683-2703): QGHCVSGMGM[Gly2693Ala]RGNPEPPVSG

ClinVar aggregate classification (germline): Uncertain significance. Review status: criteria provided, multiple submitters, no conflicts (2 of 4 stars). 2 submissions from 2 submitters: Uncertain significance (2). Last evaluated 2025-08-03.

Conditions:
Marfan syndrome (MFS). Also called: Marfan syndrome type 1; Marfan's syndrome; FBN1-Related Marfan Syndrome; MARFAN SYNDROME, TYPE I; Marfan syndrome, classic. Identifiers: Orphanet 284963, Orphanet 558, MedGen C0024796, MONDO:0007947, OMIM 154700.
Familial thoracic aortic aneurysm and aortic dissection (TAAD). Also called: Thoracic aortic aneurysms and dissections. Identifiers: Orphanet 91387, MedGen C4707243, MONDO:0019625.

Submissions (2):

Labcorp Genetics (formerly Invitae), Labcorp
Classification: Uncertain significance for Marfan syndrome; Familial thoracic aortic aneurysm and aortic dissection. Last evaluated: 2025-08-03. Review status: criteria provided, single submitter. Criteria: Invitae Variant Classification Sherloc (09022015). Collection method: clinical testing. Allele origin: germline.
Comment: This sequence change replaces glycine, which is neutral and non-polar, with alanine, which is neutral and non-polar, at codon 2693 of the FBN1 protein (p.Gly2693Ala). This variant is not present in population databases (gnomAD no frequency). This variant has not been reported in the literature in individuals affected with FBN1-related conditions. ClinVar contains an entry for this variant (Variation ID: 1307458). Invitae Evidence Modeling of protein sequence and biophysical properties (such as structural, functional, and spatial information, amino acid conservation, physicochemical variation, residue mobility, and thermodynamic stability) indicates that this missense variant is not expected to disrupt FBN1 protein function with a negative predictive value of 95%. In summary, the available evidence is currently insufficient to determine the role of this variant in disease. Therefore, it has been classified as a Variant of Uncertain Significance.

GeneDx
Classification: Uncertain significance. Last evaluated: 2019-07-31. Review status: criteria provided, single submitter. Criteria: GeneDx Variant Classification Process June 2021. Collection method: clinical testing. Allele origin: germline. Affected: yes.
Comment: Not observed in large population cohorts (Lek et al., 2016); In silico analysis, which includes protein predictors and evolutionary conservation, supports that this variant does not alter protein structure/function; Has not been previously published as pathogenic or benign to our knowledge